The following is an entry in ClinVar:

NM_001353345.2(SETD1B):c.1489G>A (p.Asp497Asn)

Gene: SETD1B (SET domain containing 1B, histone lysine methyltransferase; plus strand). Cytogenetic location: 12q24.31.
Variant type: single nucleotide variant.
Coding change: c.1489G>A on transcript NM_001353345.2 (MANE Select); coding-DNA position 1489, G replaced by A.
Protein change: p.Asp497Asn; replaces aspartic acid 497 with asparagine.
Molecular consequence: missense variant.
Genome position (GRCh38, 1-based): chr12:121,810,434, G>A. VCF-style: chr12-121810434-G-A. GRCh37 (hg19) VCF-style: chr12-122248340-G-A.
Other names: short protein forms D497N.
Identifiers: ClinVar variation 4534230 (VCV004534230.7).

ClinVar aggregate classification (germline): Likely benign. Review status: criteria provided, multiple submitters, no conflicts (2 of 4 stars). 2 submissions from 2 submitters: Likely benign (2). Last evaluated 2025-12-01.

gnomAD v4.1: 29 of 1,549,078 alleles (0.0019%); highest among the groups gnomAD compares: Admixed American, 0.0078%; no homozygotes.

Submissions (2):

CeGaT Center for Human Genetics Tuebingen
Classification: Likely benign. Last evaluated: 2025-12-01. Review status: criteria provided, single submitter. Criteria: CeGaT Center For Human Genetics Tuebingen Variant Classification Criteria Version 2. Collection method: clinical testing. Allele origin: germline. Affected: yes. Observed: 1 variant allele.
Comment: SETD1B: BP4, BS2

Blueprint Genetics
Classification: Likely benign. Last evaluated: 2024-02-07. Review status: criteria provided, single submitter. Criteria: ACMG Guidelines, 2015. Collection method: clinical testing. Allele origin: germline.